The following is an entry in ClinVar:

NM_004667.6(HERC2):c.13072G>A (p.Glu4358Lys)

Gene: HERC2 (HECT and RLD domain containing E3 ubiquitin protein ligase 2; minus strand). Cytogenetic location: 15q13.1.
Variant type: single nucleotide variant.
Coding change: c.13072G>A on transcript NM_004667.6 (MANE Select); coding-DNA position 13072, G replaced by A.
Protein change: p.Glu4358Lys; replaces glutamic acid 4358 with lysine.
Molecular consequence: missense variant.
Genome position (GRCh38, 1-based): chr15:28,124,153, C>T on the plus strand (G>A on the coding strand, the complement: HERC2 is on the minus strand). VCF-style: chr15-28124153-C-T. GRCh37 (hg19) VCF-style: chr15-28369299-C-T.
Other names: short protein forms E4358K.
Identifiers: ClinVar variation 2443645 (VCV002443645.1), dbSNP rs1334620543, ClinGen allele CA391372951.
Genomic context (GRCh38, chr15:28,124,153, plus strand): 5'-GTCCAGTTTCGTCGAGCGAGCCTTCCAGGTCGAACATGGGGATGCAGGGGCAGAAGAGCT[C>T]GGAGAGGTGGTGCAGCAGCAGCAGACGGTTCCTCAGCGCAATGATGGGGATCTCCTGCAG-3'
Protein context (NP_004658.3, residues 4348-4368): NRLLLLHHLS[Glu4358Lys]LFCPCIPMFD

ClinVar aggregate classification (germline): Uncertain significance (1 of 4 stars; one submission).

Allele frequency attached by ClinVar (database versions not stated): gnomAD 0.00001; TOPMed 0.00001.

Submission:

GeneDx
Classification: Uncertain significance. Last evaluated: 2022-09-07. Review status: criteria provided, single submitter. Criteria: GeneDx Variant Classification Process June 2021. Collection method: clinical testing. Allele origin: germline. Affected: yes.
Comment: Not observed at significant frequency in large population cohorts (gnomAD); In silico analysis supports that this missense variant has a deleterious effect on protein structure/function; Has not been previously published as pathogenic or benign to our knowledge